The following is an entry in ClinVar:

ClinVar aggregate classification (germline): Uncertain significance (1 of 4 stars; one submission).

Submission:

Labcorp Genetics (formerly Invitae), Labcorp
Classification: Uncertain significance. Last evaluated: 2022-06-15. Review status: criteria provided, single submitter. Criteria: Invitae Variant Classification Sherloc (09022015). Collection method: clinical testing. Allele origin: germline.
Comment: This sequence change replaces alanine, which is neutral and non-polar, with valine, which is neutral and non-polar, at codon 1686 of the NBAS protein (p.Ala1686Val). This variant is not present in population databases (gnomAD no frequency). This variant has not been reported in the literature in individuals affected with NBAS-related conditions. Algorithms developed to predict the effect of missense changes on protein structure and function output the following: SIFT: "Deleterious"; PolyPhen-2: "Possibly Damaging"; Align-GVGD: "Class C55". The valine amino acid residue is found in multiple mammalian species, which suggests that this missense change does not adversely affect protein function. In summary, the available evidence is currently insufficient to determine the role of this variant in disease. Therefore, it has been classified as a Variant of Uncertain Significance.

NM_015909.4(NBAS):c.5057C>T (p.Ala1686Val)

Gene: NBAS (NBAS subunit of NRZ tethering complex; minus strand). Cytogenetic location: 2p24.3.
Variant type: single nucleotide variant.
Coding change: c.5057C>T on transcript NM_015909.4 (MANE Select); coding-DNA position 5057, C replaced by T.
Protein change: p.Ala1686Val; replaces alanine 1686 with valine.
Molecular consequence: missense variant. On other transcripts: non-coding transcript variant (1).
Genome position (GRCh38, 1-based): chr2:15,287,154, G>A on the plus strand (C>T on the coding strand, the complement: NBAS is on the minus strand). VCF-style: chr2-15287154-G-A. GRCh37 (hg19) VCF-style: chr2-15427278-G-A.
Other names: short protein forms A1686V.
Identifiers: ClinVar variation 2007224 (VCV002007224.4), dbSNP rs2528175269, ClinGen allele CA345886963.